The following is an entry in ClinVar:

NM_207111.4(RNF216):c.337G>C (p.Val113Leu)

Gene: RNF216 (ring finger protein 216; minus strand). Cytogenetic location: 7p22.1.
Variant type: single nucleotide variant.
Coding change: c.337G>C on transcript NM_207111.4 (MANE Select); coding-DNA position 337, G replaced by C.
Protein change: p.Val113Leu; replaces valine 113 with leucine.
Molecular consequence: missense variant. On other transcripts: intron variant (2).
Genome position (GRCh38, 1-based): chr7:5,741,680, C>G on the plus strand (G>C on the coding strand, the complement: RNF216 is on the minus strand). VCF-style: chr7-5741680-C-G. GRCh37 (hg19) VCF-style: chr7-5781311-C-G.
Other names: c.202-36G>C (NM_207116.3, NM_001377156.1); c.337G>C (NM_207111.3); short protein forms V113L.
Identifiers: ClinVar variation 1352314 (VCV001352314.4), dbSNP rs186298636, ClinGen allele CA4148558.

ClinVar aggregate classification (germline): Uncertain significance. Review status: criteria provided, multiple submitters, no conflicts (2 of 4 stars). 2 submissions from 2 submitters: Uncertain significance (2). Last evaluated 2025-08-30.

Conditions:
Inborn genetic diseases. Identifiers: MedGen C0950123, MeSH D030342.

Allele frequency attached by ClinVar (database versions not stated): ExAC 0.00007; gnomAD exomes 0.00007; 1000 Genomes Project 30x 0.00031; 1000 Genomes Project 0.00040.
gnomAD v4.1: 125 of 1,614,220 alleles (0.0077%); highest among the groups gnomAD compares: African/African-American, 0.13%; no homozygotes.

Submissions (2):

Ambry Genetics
Classification: Uncertain significance for Inborn genetic diseases. Last evaluated: 2025-08-30. Review status: criteria provided, single submitter. Criteria: Ambry Variant Classification Scheme 2023. Collection method: clinical testing. Allele origin: germline.

Labcorp Genetics (formerly Invitae), Labcorp
Classification: Uncertain significance. Last evaluated: 2022-07-26. Review status: criteria provided, single submitter. Criteria: Invitae Variant Classification Sherloc (09022015). Collection method: clinical testing. Allele origin: germline.
Comment: This sequence change replaces valine, which is neutral and non-polar, with leucine, which is neutral and non-polar, at codon 113 of the RNF216 protein (p.Val113Leu). This variant is present in population databases (rs186298636, gnomAD 0.08%). This variant has not been reported in the literature in individuals affected with RNF216-related conditions. ClinVar contains an entry for this variant (Variation ID: 1352314). Algorithms developed to predict the effect of missense changes on protein structure and function (SIFT, PolyPhen-2, Align-GVGD) all suggest that this variant is likely to be tolerated. In summary, the available evidence is currently insufficient to determine the role of this variant in disease. Therefore, it has been classified as a Variant of Uncertain Significance.